The following is an entry in ClinVar:

ClinVar aggregate classification (germline): Pathogenic (1 of 4 stars; one submission).

Submission:

Labcorp Genetics (formerly Invitae), Labcorp
Classification: Pathogenic. Last evaluated: 2023-07-25. Review status: criteria provided, single submitter. Criteria: Invitae Variant Classification Sherloc (09022015). Collection method: clinical testing. Allele origin: germline.
Comment: This variant has not been reported in the literature in individuals affected with PCNT-related conditions. For these reasons, this variant has been classified as Pathogenic. This variant is not present in population databases (gnomAD no frequency). This sequence change creates a premature translational stop signal (p.Glu885*) in the PCNT gene. It is expected to result in an absent or disrupted protein product. Loss-of-function variants in PCNT are known to be pathogenic (PMID: 18174396, 22821869).

Literature cited by the submitters: PubMed 18174396; PubMed 22821869.

NM_006031.6(PCNT):c.2653G>T (p.Glu885Ter)

Gene: PCNT (pericentrin; plus strand). Cytogenetic location: 21q22.3.
Variant type: single nucleotide variant.
Coding change: c.2653G>T on transcript NM_006031.6 (MANE Select); coding-DNA position 2653, G replaced by T.
Protein change: p.Glu885Ter; replaces glutamic acid 885 with a stop codon.
Molecular consequence: nonsense.
Genome position (GRCh38, 1-based): chr21:46,366,627, G>T. VCF-style: chr21-46366627-G-T. GRCh37 (hg19) VCF-style: chr21-47786542-G-T.
Other names: c.2299G>T, p.Glu767Ter (NM_001315529.2); short protein forms E885*, E767*.
Identifiers: ClinVar variation 2744853 (VCV002744853.3), dbSNP rs2518262220, ClinGen allele CA410569016.